The following is an entry in ClinVar:

ClinVar aggregate classification (germline): Pathogenic/Likely pathogenic. Review status: criteria provided, multiple submitters, no conflicts (2 of 4 stars). 17 submissions from 16 submitters: Pathogenic (10); Likely pathogenic (1). 6 of the submissions do not count toward it. Last evaluated 2025-12-01.

Conditions:
CRX-related disorders.
Cone-rod dystrophy 2 (CORD2). Also called: CONE-ROD RETINAL DYSTROPHY; Cone-rod retinal dystrophy 2. Identifiers: Orphanet 1872, MedGen C3489532, MONDO:0007362, OMIM 120970.
Leber congenital amaurosis 7 (LCA7). Identifiers: Orphanet 65, MedGen C3151192, MONDO:0013449, OMIM 613829.
Retinitis pigmentosa (RP). Identifiers: Orphanet 791, MedGen C0035334, MeSH D012174, MONDO:0019200, OMIM 268000. Inheritance: Autosomal dominant, autosomal recessive and X linked inheritance.
Retinal dystrophy. Also called: Inherited retinal dystrophy. Identifiers: Orphanet 71862, MedGen C0854723, MeSH D058499, MONDO:0019118, HP:0000556.
Cone-rod dystrophy. Also called: Cone-rod degeneration; Cone/cone-rod dystrophy. Identifiers: Orphanet 1872, MedGen C4085590, MONDO:0015993, HP:0000548.

Allele frequency attached by ClinVar (database versions not stated): ExAC 0.00001; gnomAD exomes 0.00001.

Submissions (17):

Labcorp Genetics (formerly Invitae), Labcorp
Classification: Pathogenic for Cone-rod dystrophy 2; Leber congenital amaurosis 7. Last evaluated: 2025-12-01. Review status: criteria provided, single submitter. Criteria: Invitae Variant Classification Sherloc (09022015). Collection method: clinical testing. Allele origin: germline.
Comment: This sequence change replaces arginine, which is basic and polar, with tryptophan, which is neutral and slightly polar, at codon 41 of the CRX protein (p.Arg41Trp). This variant is present in population databases (rs104894672, gnomAD 0.006%). This missense change has been observed in individual(s) with clinical features of autosomal dominant CRX-related conditions (PMID: 9427255). It has also been observed to segregate with disease in related individuals. ClinVar contains an entry for this variant (Variation ID: 7418). Invitae Evidence Modeling of protein sequence and biophysical properties (such as structural, functional, and spatial information, amino acid conservation, physicochemical variation, residue mobility, and thermodynamic stability) indicates that this missense variant is expected to disrupt CRX protein function with a positive predictive value of 95%. Experimental studies have shown that this missense change affects CRX function (PMID: 9427255). This variant disrupts the p.Arg41 amino acid residue in CRX. Other variant(s) that disrupt this residue have been determined to be pathogenic (PMID: 9427255, 10916183, 11748859, 24265693, 30543658). This suggests that this residue is clinically significant, and that variants that disrupt this residue are likely to be disease-causing. For these reasons, this variant has been classified as Pathogenic.

Dasa
Classification: Pathogenic. Last evaluated: 2025-07-15. Review status: criteria provided, single submitter. Criteria: DASA Assertion Criteria. Collection method: clinical testing. Allele origin: germline.
Comment: NM_000554.6(CRX):c.121C>T (p.Arg41Trp) is a missense variant that results in the substitution of arginine with tryptophan. The affected residue or protein region has prior evidence supporting clinical relevance. Segregation evidence has been reported in affected families. Functional evidence supports a deleterious effect on the gene or gene product (PMID: 9427255; PMID: 33836713; PMID: 12819982; PMID: 36536961; PMID: 33629268). This variant has been recurrently observed in individuals with related phenotype (PMID: 9427255; PMID: 33836713; PMID: 12819982; PMID: 36536961; PMID: 33629268). The variant is present at low frequency in population datasets. Based on the available data, this variant is classified as pathogenic.

Revvity Omics, Revvity
Classification: Pathogenic. Last evaluated: 2025-03-27. Review status: criteria provided, single submitter. Criteria: ACMG Guidelines, 2015. Collection method: clinical testing. Allele origin: germline.

SingHealth Duke-NUS Institute of Precision Medicine
Classification: Pathogenic for Cone-rod dystrophy 2. Last evaluated: 2025-02-05. Review status: criteria provided, single submitter. Criteria: PRISM ACMG Classification Criteria. Collection method: clinical testing. Allele origin: germline. Affected: yes.
Comment: Variant is located in a mutational hotspot where >50% of variants are pathogenic (PM1). Other variants at this amino acid residue have been classified as pathogenic/likely pathogenic (PM5, p.Arg41Pro; p.Arg41Gln). REVEL score is 0.954 (PP3_str). Prevalence of variant is significantly increased in affected patient compared to the general population (PS4). Cosegregation with disease observed in multiple families in multiple studies (PP1, PMID:9427255 + internal data)

GeneDx
Classification: Pathogenic. Last evaluated: 2024-09-02. Review status: criteria provided, single submitter. Criteria: GeneDx Variant Classification Process June 2021. Collection method: clinical testing. Allele origin: germline. Affected: yes.
Comment: Published functional studies demonstrate a damaging effect; functional assays demonstrate decreased DNA binding activity and reduced trans-activation activity (PMID: 11971869, PMID: 9427255, PMID: 10887186); In silico analysis supports that this missense variant has a deleterious effect on protein structure/function; This variant is associated with the following publications: (PMID: 25525159, 26992781, 26957898, 33629268, 34758253, 36536961, 36460718, 31213501, 36819107, 36909829, 33749171, 36284460, 9427255, 12819982, 27013732, 20513135, 10967037, 10887186, 31203166, 30910914, 33836713, 32533067, 35119454, 11971869)

3billion
Classification: Pathogenic for Cone-rod dystrophy 2. Last evaluated: 2024-06-20. Review status: criteria provided, single submitter. Criteria: ACMG Guidelines, 2015. Collection method: clinical testing. Allele origin: germline. Affected: yes.
Comment: The variant is observed at an extremely low frequency in the gnomAD v4.0.0 dataset (total allele frequency: <0.001%). Predicted Consequence/Location: The majority of the known disease-causing variants of this gene are variants expected to result in premature termination of the protein. Functional studies provide moderate evidence of the variant having a damaging effect on the gene or gene product (PMID: 9427255). In silico tool predictions suggest damaging effect of the variant on gene or gene product [REVEL: 0.95 (>=0.6, sensitivity 0.68 and specificity 0.92)]. The same nucleotide change resulting in the same amino acid change has been previously reported as pathogenic/likely pathogenic with strong evidence (ClinVar ID: VCV000007418 /PMID: 9427255 /3billion dataset). The variant has been observed in at least two similarly affected unrelated individuals (3billion dataset). Different missense changes at the same codon (p.Arg41Gln, p.Arg41Pro) have been reported as pathogenic/likely pathogenic with strong evidence (ClinVar ID: VCV000007421 /PMID: 36259723, 9427255 /3billion dataset). Therefore, this variant is classified as Pathogenic according to the recommendation of ACMG/AMP guideline.

Blueprint Genetics
Classification: Pathogenic for CRX-related disorders. Last evaluated: 2024-05-31. Review status: criteria provided, single submitter. Criteria: ACMG Guidelines, 2015. Collection method: clinical testing. Allele origin: germline. Affected: yes. Observed: 5 variant alleles.

Dept Of Ophthalmology, Nagoya University
Classification: Pathogenic for Retinal dystrophy. Last evaluated: 2023-10-01. Review status: criteria provided, single submitter. Criteria: Submitter's publication. Collection method: research. Allele origin: germline. Affected: yes.

Ophthalmic Genetics Group, Institute of Molecular and Clinical Ophthalmology Basel
Classification: Pathogenic for Retinitis pigmentosa. Last evaluated: 2023-07-24. Review status: criteria provided, single submitter. Criteria: ACMG Guidelines, 2015. Collection method: research. Allele origin: germline. Affected: yes. Observed: 1 variant allele.
Comment: Clinical significance based on ACMG v2.0

This variant was classified as Pathogenic based on ACMG criteria: PP5, PP3, PM2, PM5, PM1.

Ophthalmic Genetics Group, Institute of Molecular and Clinical Ophthalmology Basel
Classification: Pathogenic for Cone-rod dystrophy. Last evaluated: 2023-07-24. Review status: criteria provided, single submitter. Criteria: ACMG Guidelines, 2015. Collection method: research. Allele origin: germline. Affected: yes. Observed: 1 variant allele.
Comment: the same text as in the submission from Ophthalmic Genetics Group, Institute of Molecular and Clinical Ophthalmology Basel above.

Institute of Human Genetics, Univ. Regensburg, Univ. Regensburg
Classification: Likely pathogenic for Retinal dystrophy. Last evaluated: 2016-01-01. Review status: criteria provided, single submitter. Criteria: ACMG Guidelines, 2015. Collection method: clinical testing. Allele origin: germline. Affected: yes.

OMIM
Classification: Pathogenic for CONE-ROD DYSTROPHY 2. Last evaluated: 1997-12-01. Review status: no assertion criteria provided. Collection method: literature only. Allele origin: germline. Not counted in ClinVar's aggregate classification.

Clinical Genetics, Academic Medical Center
Classification: Likely pathogenic. Review status: no assertion criteria provided. Collection method: clinical testing. Allele origin: germline. Affected: yes. Study: VKGL Data-share Consensus. Not counted in ClinVar's aggregate classification.

Department of Ophthalmology and Visual Sciences Kyoto University
Classification: Pathogenic for Cone-rod dystrophy 2. Review status: no assertion criteria provided. Collection method: not provided. Allele origin: unknown. Not counted in ClinVar's aggregate classification.
ClinVar note: Converted during submission from pathogenic to Pathogenic.

Genomics England Pilot Project, Genomics England
Classification: Pathogenic for Cone-rod dystrophy 2. Review status: no assertion criteria provided. Criteria: ACGS Guidelines, 2016. Collection method: clinical testing. Allele origin: germline. Affected: yes. Not counted in ClinVar's aggregate classification.

Joint Genome Diagnostic Labs from Nijmegen and Maastricht, Radboudumc and MUMC+
Classification: Pathogenic. Review status: no assertion criteria provided. Collection method: clinical testing. Allele origin: germline. Affected: yes. Study: VKGL Data-share Consensus. Not counted in ClinVar's aggregate classification.

Retina International
No classification provided. Review status: no classification provided. Collection method: not provided. Allele origin: not provided. Not counted in ClinVar's aggregate classification.

Literature cited by the submitters: PubMed 9427255 (cited by 6 submitters); PubMed 10916183 (cited by Labcorp Genetics (formerly Invitae), Labcorp); PubMed 11748859 (cited by Labcorp Genetics (formerly Invitae), Labcorp); PubMed 24265693 (cited by Labcorp Genetics (formerly Invitae), Labcorp); PubMed 30543658 (cited by Labcorp Genetics (formerly Invitae), Labcorp); PubMed 33836713 (cited by Dasa and Institute of Human Genetics, Univ. Regensburg, Univ. Regensburg); PubMed 12819982 (cited by Dasa and Institute of Human Genetics, Univ. Regensburg, Univ. Regensburg); PubMed 36536961 (cited by Dasa); PubMed 33629268 (cited by Dasa and Institute of Human Genetics, Univ. Regensburg, Univ. Regensburg); PubMed 36259723 (cited by 3billion); PubMed 36909829 (cited by Ophthalmic Genetics Group, Institute of Molecular and Clinical Ophthalmology Basel); PubMed 25525159 (cited by Institute of Human Genetics, Univ. Regensburg, Univ. Regensburg); PubMed 27013732 (cited by Institute of Human Genetics, Univ. Regensburg, Univ. Regensburg); PubMed 31203166 (cited by Institute of Human Genetics, Univ. Regensburg, Univ. Regensburg); PubMed 30910914 (cited by Institute of Human Genetics, Univ. Regensburg, Univ. Regensburg); PubMed 31213501 (cited by Institute of Human Genetics, Univ. Regensburg, Univ. Regensburg); PubMed 32533067 (cited by Institute of Human Genetics, Univ. Regensburg, Univ. Regensburg); PubMed 33749171 (cited by Institute of Human Genetics, Univ. Regensburg, Univ. Regensburg); PubMed 34758253 (cited by Institute of Human Genetics, Univ. Regensburg, Univ. Regensburg); PubMed 35119454 (cited by Institute of Human Genetics, Univ. Regensburg, Univ. Regensburg); PubMed 36460718 (cited by Institute of Human Genetics, Univ. Regensburg, Univ. Regensburg); PubMed 36284460 (cited by Institute of Human Genetics, Univ. Regensburg, Univ. Regensburg); PubMed 36819107 (cited by Institute of Human Genetics, Univ. Regensburg, Univ. Regensburg).

NM_000554.6(CRX):c.121C>T (p.Arg41Trp)

Gene: CRX (cone-rod homeobox; plus strand). Cytogenetic location: 19q13.33.
Variant type: single nucleotide variant.
Coding change: c.121C>T on transcript NM_000554.6 (MANE Select); coding-DNA position 121, C replaced by T.
Protein change: p.Arg41Trp; replaces arginine 41 with tryptophan.
Molecular consequence: missense variant.
Genome position (GRCh38, 1-based): chr19:47,836,263, C>T. VCF-style: chr19-47836263-C-T. GRCh37 (hg19) VCF-style: chr19-48339520-C-T.
Other names: NP_000545.1:p.(Arg41Trp); short protein forms R41W.
Identifiers: ClinVar variation 7418 (VCV000007418.24), dbSNP rs104894672, ClinGen allele CA118790.